The following is an entry in ClinVar:

NM_000660.7(TGFB1):c.893T>C (p.Leu298Pro)

Gene: TGFB1 (transforming growth factor beta 1; minus strand). Cytogenetic location: 19q13.2.
Variant type: single nucleotide variant.
Coding change: c.893T>C on transcript NM_000660.7 (MANE Select); coding-DNA position 893, T replaced by C.
Protein change: p.Leu298Pro; replaces leucine 298 with proline.
Molecular consequence: missense variant.
Genome position (GRCh38, 1-based): chr19:41,332,249, A>G on the plus strand (T>C on the coding strand, the complement: TGFB1 is on the minus strand). VCF-style: chr19-41332249-A-G. GRCh37 (hg19) VCF-style: chr19-41838154-A-G.
Other names: short protein forms L298P.
Identifiers: ClinVar variation 1506364 (VCV001506364.8), dbSNP rs2123080497, ClinGen allele CA405998636.

ClinVar aggregate classification (germline): Uncertain significance (1 of 4 stars; one submission).

Submission:

Labcorp Genetics (formerly Invitae), Labcorp
Classification: Uncertain significance. Last evaluated: 2022-09-19. Review status: criteria provided, single submitter. Criteria: Invitae Variant Classification Sherloc (09022015). Collection method: clinical testing. Allele origin: germline.
Comment: ClinVar contains an entry for this variant (Variation ID: 1506364). In summary, the available evidence is currently insufficient to determine the role of this variant in disease. Therefore, it has been classified as a Variant of Uncertain Significance. Advanced modeling of protein sequence and biophysical properties (such as structural, functional, and spatial information, amino acid conservation, physicochemical variation, residue mobility, and thermodynamic stability) performed at Invitae indicates that this missense variant is expected to disrupt TGFB1 protein function. This variant has not been reported in the literature in individuals affected with TGFB1-related conditions. This variant is not present in population databases (gnomAD no frequency). This sequence change replaces leucine, which is neutral and non-polar, with proline, which is neutral and non-polar, at codon 298 of the TGFB1 protein (p.Leu298Pro).